The following is an entry in ClinVar:

ClinVar aggregate classification (germline): Uncertain significance (1 of 4 stars; one submission).

Conditions:
DiGeorge syndrome. Also called: Catch22; THIRD AND FOURTH PHARYNGEAL POUCH SYNDROME. Identifiers: Orphanet 567, MedGen C0012236, MONDO:0008564, OMIM 188400.

gnomAD v4.1: 7 of 1,340,530 alleles (0.00052%); highest among the groups gnomAD compares: Non-Finnish European, 0.00067%; no homozygotes.

Submission:

Labcorp Genetics (formerly Invitae), Labcorp
Classification: Uncertain significance for DiGeorge syndrome. Last evaluated: 2024-07-15. Review status: criteria provided, single submitter. Criteria: Invitae Variant Classification Sherloc (09022015). Collection method: clinical testing. Allele origin: germline.
Comment: This sequence change replaces alanine, which is neutral and non-polar, with serine, which is neutral and polar, at codon 339 of the TBX1 protein (p.Ala339Ser). This variant is not present in population databases (gnomAD no frequency). This variant has not been reported in the literature in individuals affected with TBX1-related conditions. An algorithm developed to predict the effect of missense changes on protein structure and function (PolyPhen-2) suggests that this variant is likely to be tolerated. In summary, the available evidence is currently insufficient to determine the role of this variant in disease. Therefore, it has been classified as a Variant of Uncertain Significance.

NM_001379200.1(TBX1):c.1042G>T (p.Ala348Ser)

Gene: TBX1 (T-box transcription factor 1; plus strand). Cytogenetic location: 22q11.21.
Variant type: single nucleotide variant.
Coding change: c.1042G>T on transcript NM_001379200.1 (MANE Select); coding-DNA position 1042, G replaced by T.
Protein change: p.Ala348Ser; replaces alanine 348 with serine.
Molecular consequence: missense variant. On other transcripts: intron variant (2).
Genome position (GRCh38, 1-based): chr22:19,766,394, G>T. VCF-style: chr22-19766394-G-T. GRCh37 (hg19) VCF-style: chr22-19753917-G-T.
Other names: c.1015G>T, p.Ala339Ser (NM_080647.1); c.1009+392G>T (NM_005992.1, NM_080646.2); short protein forms A339S, A348S.
Identifiers: ClinVar variation 3705093 (VCV003705093.2).